The following is an entry in ClinVar:

ClinVar aggregate classification (germline): Uncertain significance (1 of 4 stars; one submission).

Submission:

Labcorp Genetics (formerly Invitae), Labcorp
Classification: Uncertain significance. Last evaluated: 2025-09-08. Review status: criteria provided, single submitter. Criteria: Invitae Variant Classification Sherloc (09022015). Collection method: clinical testing. Allele origin: germline.
Comment: This sequence change replaces cysteine, which is neutral and slightly polar, with phenylalanine, which is neutral and non-polar, at codon 789 of the PCDH12 protein (p.Cys789Phe). This variant is not present in population databases (gnomAD no frequency). This variant has not been reported in the literature in individuals affected with PCDH12-related conditions. ClinVar contains an entry for this variant (Variation ID: 1426598). Invitae Evidence Modeling of protein sequence and biophysical properties (such as structural, functional, and spatial information, amino acid conservation, physicochemical variation, residue mobility, and thermodynamic stability) indicates that this missense variant is not expected to disrupt PCDH12 protein function with a negative predictive value of 95%. In summary, the available evidence is currently insufficient to determine the role of this variant in disease. Therefore, it has been classified as a Variant of Uncertain Significance.

NM_016580.4(PCDH12):c.2366G>T (p.Cys789Phe)

Genes: PCDH12 (protocadherin 12; minus strand), RNF14 (ring finger protein 14; plus strand). Cytogenetic location: 5q31.3.
Variant type: single nucleotide variant.
Coding change: c.2366G>T on transcript NM_016580.4 (MANE Select); coding-DNA position 2366, G replaced by T.
Protein change: p.Cys789Phe; replaces cysteine 789 with phenylalanine.
Molecular consequence: missense variant.
Genome position (GRCh38, 1-based): chr5:141,955,486, C>A on the plus strand (G>T on the coding strand, the complement: PCDH12 is on the minus strand). VCF-style: chr5-141955486-C-A. GRCh37 (hg19) VCF-style: chr5-141335051-C-A.
Other names: short protein forms C789F.
Identifiers: ClinVar variation 1426598 (VCV001426598.6), dbSNP rs916655339, ClinGen allele CA361575870.
Genomic context (GRCh38, chr5:141,955,486, plus strand): 5'-TCCCAGCCTGCTTCCATCATCGCCTCCTTGTCCACATCTTTGTGGGACTGCCCGACTTCA[C>A]AAGGCTCACCTGCCTGACCCCTGAGCACAGGCACGAGGTGGATGTCTGCCTTCTGAATGT-3'
Protein context (NP_057664.1, residues 779-799): PVLRGQAGEP[Cys789Phe]EVGQSHKDVD